The following is an entry in ClinVar:

NM_003320.5(TUB):c.73G>C (p.Gly25Arg)

Gene: TUB (TUB bipartite transcription factor; plus strand). Cytogenetic location: 11p15.4.
Variant type: single nucleotide variant.
Coding change: c.73G>C on transcript NM_003320.5; coding-DNA position 73, G replaced by C.
Protein change: p.Gly25Arg; replaces glycine 25 with arginine.
Molecular consequence: missense variant. On other transcripts: intron variant (4).
Genome position (GRCh38, 1-based): chr11:8,038,946, G>C. VCF-style: chr11-8038946-G-C. GRCh37 (hg19) VCF-style: chr11-8060493-G-C.
Other names: c.56+19588G>C (NM_001440538.1, NM_001440539.1, NM_001440540.1 and 1 more transcripts); short protein forms G25R.
Identifiers: ClinVar variation 1406724 (VCV001406724.9), dbSNP rs748551548, ClinGen allele CA217427793.
Genomic context (GRCh38, chr11:8,038,946, plus strand): 5'-ACACCTTTGCCTTCTTTCTGGGTTTCTTTCTTTGCCGAGACAGGGATTTTGTTCCCAGGA[G>C]GCACTCCCTGGCCCATGGGATCTCAGCATTCAAAGCAGCACAGGAAACCTGGGCCCCTGA-3'

ClinVar aggregate classification (germline): Uncertain significance. Review status: criteria provided, single submitter (1 of 4 stars). 2 submissions from 2 submitters: Uncertain significance (1). 1 of the submissions does not count toward it. Last evaluated 2022-03-06.

Conditions:
TUB-related disorder. Also called: TUB-related condition.

Allele frequency attached by ClinVar (database versions not stated): gnomAD 0.00003 and 0.00004; gnomAD exomes below 0.00001; TOPMed 0.00002.
gnomAD v4.1: 51 of 1,613,894 alleles (0.0032%); highest among the groups gnomAD compares: Non-Finnish European, 0.0042%; no homozygotes.

Submissions (2):

Labcorp Genetics (formerly Invitae), Labcorp
Classification: Uncertain significance. Last evaluated: 2022-03-06. Review status: criteria provided, single submitter. Criteria: Invitae Variant Classification Sherloc (09022015). Collection method: clinical testing. Allele origin: germline.
Comment: This sequence change replaces glycine, which is neutral and non-polar, with arginine, which is basic and polar, at codon 25 of the TUB protein (p.Gly25Arg). This variant is present in population databases (rs748551548, gnomAD 0.0009%). This variant has not been reported in the literature in individuals affected with TUB-related conditions. Algorithms developed to predict the effect of missense changes on protein structure and function (SIFT, PolyPhen-2, Align-GVGD) all suggest that this variant is likely to be tolerated. In summary, the available evidence is currently insufficient to determine the role of this variant in disease. Therefore, it has been classified as a Variant of Uncertain Significance.

PreventionGenetics, part of Exact Sciences
Classification: Uncertain significance for TUB-related condition. Last evaluated: 2024-04-30. Review status: no assertion criteria provided. Collection method: clinical testing. Allele origin: germline. Not counted in ClinVar's aggregate classification.
Comment: The TUB c.73G>C variant is predicted to result in the amino acid substitution p.Gly25Arg. To our knowledge, this variant has not been reported in the literature. This variant is reported in 0.00088% of alleles in individuals of European (Non-Finnish) descent in gnomAD. At this time, the clinical significance of this variant is uncertain due to the absence of conclusive functional and genetic evidence.